The following is an entry in ClinVar:

ClinVar aggregate classification (germline): Likely pathogenic (1 of 4 stars; one submission).

Conditions:
Atypical hemolytic-uremic syndrome. Identifiers: Orphanet 2134, MedGen C2931788, MONDO:0016244.

Submission:

Genomenon, Inc
Classification: Likely pathogenic for Atypical hemolytic-uremic syndrome. Last evaluated: 2025-09-26. Review status: criteria provided, single submitter. Criteria: Genomenon Sequence Variant Interpretation Standards - Updated. Collection method: curation. Allele origin: germline. Affected: yes.
Comment: DGKE p.Pro498Arg (c.1493C>G) is a missense variant that changes the amino acid at residue 498 from Proline to Arginine. This variant has been observed in at least one proband affected with atypical hemolytic-uremic syndrome (PMID:25135762). The variant was found to segregate with disease in at least one affected family (PMID:25135762). It has been observed in trans with a pathogenic variant (PMID:25135762). It is absent or not present at a significant frequency in gnomAD. In silico models agree that this variant is possibly or probably damaging. In conclusion, we classify DGKE p.Pro498Arg (c.1493C>G) as a likely pathogenic variant.

Literature cited by the submitters: PubMed 25135762.

NM_003647.3(DGKE):c.1493C>G (p.Pro498Arg)

Gene: DGKE (diacylglycerol kinase epsilon; plus strand). Cytogenetic location: 17q22.
Variant type: single nucleotide variant.
Coding change: c.1493C>G on transcript NM_003647.3 (MANE Select); coding-DNA position 1493, C replaced by G.
Protein change: p.Pro498Arg; replaces proline 498 with arginine.
Molecular consequence: missense variant.
Genome position (GRCh38, 1-based): chr17:56,862,220, C>G. VCF-style: chr17-56862220-C-G. GRCh37 (hg19) VCF-style: chr17-54939581-C-G.
Other names: short protein forms P498R.
Identifiers: ClinVar variation 4280381 (VCV004280381.1).